The following is an entry in ClinVar:

ClinVar aggregate classification (germline): Pathogenic (1 of 4 stars; one submission).

Conditions:
Congenital myasthenic syndrome 10. Also called: Myasthenia, limb-girdle, familial. Identifiers: Orphanet 590, MedGen C1850792, MONDO:0009690, OMIM 254300.
Fetal akinesia deformation sequence 1 (FADS1). Also called: Pena-Shokeir syndrome type I; Fetal akinesia sequence. Identifiers: Orphanet 994, MedGen C1276035, MONDO:0100101, OMIM 208150, HP:0001989.

Submission:

Labcorp Genetics (formerly Invitae), Labcorp
Classification: Pathogenic for Congenital myasthenic syndrome 10; Fetal akinesia deformation sequence 1. Last evaluated: 2022-03-13. Review status: criteria provided, single submitter. Criteria: Invitae Variant Classification Sherloc (09022015). Collection method: clinical testing. Allele origin: germline.
Comment: For these reasons, this variant has been classified as Pathogenic. This variant disrupts a region of the DOK7 protein in which other variant(s) (p.Ser422Hisfs*34) have been determined to be pathogenic (PMID: 18626973, 23219351, 25326637, 31618753; Invitae). This suggests that this is a clinically significant region of the protein, and that variants that disrupt it are likely to be disease-causing. This variant has not been reported in the literature in individuals affected with DOK7-related conditions. This variant is not present in population databases (gnomAD no frequency). This sequence change creates a premature translational stop signal (p.Ser419Argfs*33) in the DOK7 gene. While this is not anticipated to result in nonsense mediated decay, it is expected to disrupt the last 86 amino acid(s) of the DOK7 protein.

Literature cited by the submitters: PubMed 18626973; PubMed 23219351; PubMed 25326637; PubMed 31618753.

NM_173660.5(DOK7):c.1257_1269del (p.Ser419fs)

Gene: DOK7 (docking protein 7; plus strand). Cytogenetic location: 4p16.3.
Variant type: Deletion.
Coding change: c.1257_1269del on transcript NM_173660.5 (MANE Select); coding-DNA positions 1257 to 1269, 13 bases deleted (CCCCCCCTCACAG).
Protein change: p.Ser419fs; shifts the reading frame from serine 419.
Molecular consequence: frameshift variant. On other transcripts: 3 prime UTR variant (1).
Genome position (GRCh38, 1-based): chr4:3,493,243-3,493,255, CCCCCCCTCACAG deleted; deleting any 13 consecutive bases within chr4:3,493,238-3,493,255 gives the same sequence; the c. name uses the placement nearest the transcript's 3' end. VCF-style (leftmost placement, unchanged base first): chr4-3493237-CCACAGCCCCCCCT-C. GRCh37 (hg19) VCF-style: chr4-3494964-CCACAGCCCCCCCT-C.
Other names: c.*478_*490del (NM_001164673.2); c.327_339del, p.Ser109fs (NM_001256896.2); c.1257_1269del, p.Ser419fs (NM_001301071.2); c.825_837del, p.Ser275fs (NM_001363811.2); short protein forms S275fs, S419fs, S109fs.
Identifiers: ClinVar variation 2102209 (VCV002102209.4), dbSNP rs1389245765, ClinGen allele CA794200882.